The following is an entry in ClinVar:

NM_001382241.1(TNPO2):c.18C>G (p.Asp6Glu)

Gene: TNPO2 (transportin 2; minus strand). Cytogenetic location: 19p13.13.
Variant type: single nucleotide variant.
Coding change: c.18C>G on transcript NM_001382241.1 (MANE Select); coding-DNA position 18, C replaced by G.
Protein change: p.Asp6Glu; replaces aspartic acid 6 with glutamic acid.
Molecular consequence: missense variant. On other transcripts: non-coding transcript variant (6).
Genome position (GRCh38, 1-based): chr19:12,720,960, G>C on the plus strand (C>G on the coding strand, the complement: TNPO2 is on the minus strand). VCF-style: chr19-12720960-G-C. GRCh37 (hg19) VCF-style: chr19-12831774-G-C.
Other names: c.18C>G, p.Asp6Glu (NM_001136196.2, NM_001382236.1, NM_001382237.1 and 7 more transcripts); short protein forms D6E.
Identifiers: ClinVar variation 4865787 (VCV004865787.1).

ClinVar aggregate classification (germline): Uncertain significance (1 of 4 stars; one submission).

Conditions:
Inborn genetic diseases. Identifiers: MedGen C0950123, MeSH D030342.

gnomAD v4.1: 2 of 1,591,026 alleles (0.00013%); highest among the groups gnomAD compares: Non-Finnish European, 0.00017%; no homozygotes.

Submission:

Ambry Genetics
Classification: Uncertain significance for Inborn genetic diseases. Last evaluated: 2026-03-19. Review status: criteria provided, single submitter. Criteria: Ambry Variant Classification Scheme 2023. Collection method: clinical testing. Allele origin: germline.
Comment: The c.18C>G (p.D6E) alteration is located in exon 2 (coding exon 1) of the TNPO2 gene. This alteration results from a C to G substitution at nucleotide position 18, causing the aspartic acid (D) at amino acid position 6 to be replaced by a glutamic acid (E). Based on data from gnomAD, the G allele has an overall frequency of <0.001% (1/210636) total alleles studied. The highest observed frequency was 0.001% (1/94426) of European (non-Finnish) alleles. Based on insufficient or conflicting evidence, the clinical significance of this alteration remains unclear.